The following is an entry in ClinVar:

NC_000015.10:g.40036374G>C

Genes: EIF2AK4 (eukaryotic translation initiation factor 2 alpha kinase 4; plus strand), SRP14 (signal recognition particle 14; minus strand). Cytogenetic location: 15q15.1.
Variant type: single nucleotide variant.
Molecular consequence: missense variant (on NM_003134.6).
Genome position: GRCh38 VCF-style: chr15-40036374-G-C. GRCh37 (hg19) VCF-style: chr15-40328575-G-C.
Other names: c.226C>G, p.Pro76Ala (NM_001309434.1); c.370C>G, p.Pro124Ala (NM_003134.6); short protein forms P124A, P76A.
Identifiers: ClinVar variation 402822 (VCV000402822.6), dbSNP rs7535, ClinGen allele CA7474888.

ClinVar aggregate classification (germline): Benign. Review status: criteria provided, multiple submitters, no conflicts (2 of 4 stars). 2 submissions from 2 submitters: Benign (2). Last evaluated 2016-03-28.

Allele frequency attached by ClinVar (database versions not stated): 1000 Genomes Project 0.88059; gnomAD exomes 0.90443; gnomAD 0.89880 and 0.89996; TOPMed 0.89898; ESP Exome Variant Server 0.90812; ExAC 0.90438.
gnomAD v4.1: 1,469,390 of 1,612,888 alleles (91%); highest among the groups gnomAD compares: Admixed American, 95%; 669,823 homozygotes.

Submissions (2):

Laboratory for Molecular Medicine, Mass General Brigham Personalized Medicine
Classification: Benign. Last evaluated: 2016-03-28. Review status: criteria provided, single submitter. Criteria: LMM Criteria. Collection method: clinical testing. Allele origin: germline.
Comment: Variant identified in a genome or exome case(s) and assessed due to predicted null impact of the variant or pathogenic assertions in the literature or databases. Disclaimer: This variant has not undergone full assessment. The following are preliminary notes: MAF

Breakthrough Genomics
Classification: Benign. Review status: criteria provided, single submitter. Criteria: ACMG Guidelines, 2015. Collection method: not provided. Allele origin: germline. Inheritance: Unknown mechanism. Affected: yes.